The following is an entry in ClinVar:

NM_000057.4(BLM):c.1927C>T (p.Arg643Cys)

Gene: BLM (BLM RecQ like helicase; plus strand). Cytogenetic location: 15q26.1.
Variant type: single nucleotide variant.
Coding change: c.1927C>T on transcript NM_000057.4 (MANE Select); coding-DNA position 1927, C replaced by T.
Protein change: p.Arg643Cys; replaces arginine 643 with cysteine.
Molecular consequence: missense variant.
Genome position (GRCh38, 1-based): chr15:90,763,010, C>T. VCF-style: chr15-90763010-C-T. GRCh37 (hg19) VCF-style: chr15-91306240-C-T.
Other names: c.1927C>T, p.Arg643Cys (NM_001287246.2, NM_001287247.2); c.802C>T, p.Arg268Cys (NM_001287248.2); short protein forms R643C, R268C.
Identifiers: ClinVar variation 405323 (VCV000405323.21), dbSNP rs373090621, ClinGen allele CA7738618.

ClinVar aggregate classification (germline): Uncertain significance. Review status: criteria provided, multiple submitters, no conflicts (2 of 4 stars). 8 submissions from 8 submitters: Uncertain significance (7). 1 of the submissions does not count toward it. Last evaluated 2026-01-02.

Conditions:
Bloom syndrome (BLM). Also called: Bloom-Torre-Machacek syndrome. Identifiers: Orphanet 125, MedGen C0005859, MONDO:0008876, OMIM 210900.
BLM-related disorder. Also called: BLM-related condition.
Hereditary cancer-predisposing syndrome. Also called: Hereditary Cancer Syndrome; Hereditary neoplastic syndrome; Neoplastic Syndromes, Hereditary; Tumor predisposition. Identifiers: Orphanet 140162, MedGen C0027672, MeSH D009386, MONDO:0015356.

Allele frequency attached by ClinVar (database versions not stated): ExAC 0.00004; gnomAD exomes 0.00005; ESP Exome Variant Server 0.00015; TOPMed 0.00015; gnomAD 0.00017 and 0.00018; 1000 Genomes Project 30x 0.00031; 1000 Genomes Project 0.00040.
gnomAD v4.1: 50 of 1,613,306 alleles (0.0031%); highest among the groups gnomAD compares: African/African-American, 0.041%; no homozygotes.

Submissions (8):

Labcorp Genetics (formerly Invitae), Labcorp
Classification: Uncertain significance for Bloom syndrome. Last evaluated: 2026-01-02. Review status: criteria provided, single submitter. Criteria: Invitae Variant Classification Sherloc (09022015). Collection method: clinical testing. Allele origin: germline.
Comment: This sequence change replaces arginine, which is basic and polar, with cysteine, which is neutral and slightly polar, at codon 643 of the BLM protein (p.Arg643Cys). This variant is present in population databases (rs373090621, gnomAD 0.03%). This variant has not been reported in the literature in individuals affected with BLM-related conditions. ClinVar contains an entry for this variant (Variation ID: 405323). Invitae Evidence Modeling of protein sequence and biophysical properties (such as structural, functional, and spatial information, amino acid conservation, physicochemical variation, residue mobility, and thermodynamic stability) indicates that this missense variant is not expected to disrupt BLM protein function with a negative predictive value of 80%. In summary, the available evidence is currently insufficient to determine the role of this variant in disease. Therefore, it has been classified as a Variant of Uncertain Significance.

Quest Diagnostics Nichols Institute San Juan Capistrano
Classification: Uncertain significance. Last evaluated: 2025-04-18. Review status: criteria provided, single submitter. Criteria: Quest Diagnostics criteria. Collection method: clinical testing. Allele origin: unknown.
Comment: The BLM c.1927C>T (p.Arg643Cys) variant has not been reported in individuals with BLM-related conditions in the published literature. The frequency of this variant in the general population (Genome Aggregation Database) is uninformative in the assessment of its pathogenicity. Analysis of this variant using bioinformatics tools for the prediction of the effect of amino acid changes on protein structure and function yielded predictions that this variant is benign. Based on the available information, we are unable to determine the clinical significance of this variant.

Ambry Genetics
Classification: Uncertain significance for Hereditary cancer-predisposing syndrome. Last evaluated: 2024-11-20. Review status: criteria provided, single submitter. Criteria: Ambry Variant Classification Scheme 2023. Collection method: clinical testing. Allele origin: germline.

St. Jude Molecular Pathology, St. Jude Children's Research Hospital
Classification: Uncertain significance for Bloom syndrome. Last evaluated: 2024-05-07. Review status: criteria provided, single submitter. Criteria: St. Jude Assertion Criteria 2020. Collection method: clinical testing. Allele origin: germline.
Comment: The BLM c.1927C>T (p.Arg643Cys) missense change has a maximum subpopulation frequency of 0.04% in gnomAD v2.1.1. The in silico tool REVEL predicts a benign effect on protein function, but to our knowledge this prediction has not been confirmed by functional studies. To our knowledge, this variant has not been reported in individuals with Bloom syndrome. In summary, the evidence currently available is insufficient to determine the clinical significance of this variant. It has therefore been classified as of uncertain significance.

Fulgent Genetics
Classification: Uncertain significance for Bloom syndrome. Last evaluated: 2024-04-23. Review status: criteria provided, single submitter. Criteria: ACMG Guidelines, 2015. Collection method: clinical testing. Allele origin: germline.

PreventionGenetics, part of Exact Sciences
Classification: Uncertain significance for BLM-related condition. Last evaluated: 2023-02-21. Review status: criteria provided, single submitter. Criteria: ACMG Guidelines, 2015. Collection method: clinical testing. Allele origin: germline.
Comment: The BLM c.1927C>T variant is predicted to result in the amino acid substitution p.Arg643Cys. To our knowledge, this variant has not been reported in the literature. This variant is reported in 0.035% of alleles in individuals of East Asian descent in gnomAD. At this time, the clinical significance of this variant is uncertain due to the absence of conclusive functional and genetic evidence.

GeneDx
Classification: Uncertain significance. Last evaluated: 2022-06-30. Review status: criteria provided, single submitter. Criteria: GeneDx Variant Classification Process June 2021. Collection method: clinical testing. Allele origin: germline. Affected: yes.
Comment: In silico analysis supports that this missense variant has a deleterious effect on protein structure/function; Has not been previously published as pathogenic or benign to our knowledge

Natera, Inc.
Classification: Uncertain significance for Bloom syndrome. Last evaluated: 2020-09-16. Review status: no assertion criteria provided. Collection method: clinical testing. Allele origin: germline. Not counted in ClinVar's aggregate classification.